The following is an entry in ClinVar:

ClinVar aggregate classification (germline): Benign/Likely benign. Review status: criteria provided, multiple submitters, no conflicts (2 of 4 stars). 9 submissions from 9 submitters: Benign (3); Likely benign (5). 1 of the submissions does not count toward it. Last evaluated 2026-09-01.

Conditions:
COL6A2-related disorder.
Collagen 6-related myopathy. Identifiers: MedGen CN117976, MONDO:0100225.
Bethlem myopathy 1A. Also called: Bethlem Muscular Dystrophy; MYOPATHY, BENIGN CONGENITAL, WITH CONTRACTURES; Bethlem myopathy 1. Identifiers: Orphanet 610, MedGen CN029274, MONDO:0024530, OMIM 158810.

Allele frequency attached by ClinVar (database versions not stated): ExAC 0.00102; gnomAD 0.00185; TOPMed 0.00201; ESP Exome Variant Server 0.00231; 1000 Genomes Project 30x 0.00265; 1000 Genomes Project 0.00300.
gnomAD v4.1: 977 of 1,613,258 alleles (0.061%); highest among the groups gnomAD compares: African/African-American, 0.58%; 2 homozygotes.

Submissions (9):

CeGaT Center for Human Genetics Tuebingen
Classification: Likely benign. Last evaluated: 2026-09-01. Review status: criteria provided, single submitter. Criteria: CeGaT Center For Human Genetics Tuebingen Variant Classification Criteria Version 2. Collection method: clinical testing. Allele origin: germline. Affected: yes. Observed: 9 variant alleles.
Comment: COL6A2: BP4, BP7

Labcorp Genetics (formerly Invitae), Labcorp
Classification: Benign for Bethlem myopathy 1A. Last evaluated: 2026-01-27. Review status: criteria provided, single submitter. Criteria: Invitae Variant Classification Sherloc (09022015). Collection method: clinical testing. Allele origin: germline.

Mayo Clinic Laboratories, Mayo Clinic
Classification: Benign. Last evaluated: 2025-10-10. Review status: criteria provided, single submitter. Criteria: ACMG Guidelines, 2015. Collection method: clinical testing. Allele origin: germline. Observed: 2 variant alleles.
Comment: BA1

Blueprint Genetics
Classification: Likely benign. Last evaluated: 2024-11-28. Review status: criteria provided, single submitter. Criteria: ACMG Guidelines, 2015. Collection method: clinical testing. Allele origin: germline.

GeneDx
Classification: Likely benign. Last evaluated: 2020-11-04. Review status: criteria provided, single submitter. Criteria: GeneDx Variant Classification Process June 2021. Collection method: clinical testing. Allele origin: germline. Affected: yes.

Illumina Laboratory Services, Illumina
Classification: Benign for Collagen VI-related myopathy. Last evaluated: 2018-01-13. Review status: criteria provided, single submitter. Criteria: ICSL Variant Classification Criteria 13 December 2019. Collection method: clinical testing. Allele origin: germline.
Comment: This variant was observed in the ICSL laboratory as part of a predisposition screen in an ostensibly healthy population. It had not been previously curated by ICSL or reported in the Human Gene Mutation Database (HGMD: prior to June 1st, 2018), and was therefore a candidate for classification through an automated scoring system. Utilizing variant allele frequency, disease prevalence and penetrance estimates, and inheritance mode, an automated score was calculated to assess if this variant is too frequent to cause the disease. Based on the score and internal cut-off values, a variant classified as benign is not then subjected to further curation. The score for this variant resulted in a classification of benign for this disease.

Eurofins Ntd Llc (ga)
Classification: Likely benign. Last evaluated: 2015-07-09. Review status: criteria provided, single submitter. Criteria: EGL Classification Definitions 2015. Collection method: clinical testing. Allele origin: germline. Observed: 1 variant allele, 1 heterozygote.

Breakthrough Genomics
Classification: Likely benign. Review status: criteria provided, single submitter. Criteria: ACMG Guidelines, 2015. Collection method: not provided. Allele origin: germline. Inheritance: Autosomal recessive inheritance. Affected: yes.

PreventionGenetics, part of Exact Sciences
Classification: Likely benign for COL6A2-related condition. Last evaluated: 2019-02-28. Review status: no assertion criteria provided. Collection method: clinical testing. Allele origin: germline. Not counted in ClinVar's aggregate classification.
Comment: This variant is classified as likely benign based on ACMG/AMP sequence variant interpretation guidelines (Richards et al. 2015 PMID: 25741868, with internal and published modifications).

NM_001849.4(COL6A2):c.1614C>T (p.Gly538=)

Gene: COL6A2 (collagen type VI alpha 2 chain; plus strand). Cytogenetic location: 21q22.3.
Variant type: single nucleotide variant.
Coding change: c.1614C>T on transcript NM_001849.4 (MANE Select); coding-DNA position 1614, C replaced by T.
Protein change: p.Gly538=; no amino-acid change (glycine 538 retained).
Molecular consequence: synonymous variant.
Genome position (GRCh38, 1-based): chr21:46,122,880, C>T. VCF-style: chr21-46122880-C-T. GRCh37 (hg19) VCF-style: chr21-47542794-C-T.
Other names: p.Gly538=; c.1614C>T, p.Gly538= (NM_058174.3, NM_058175.3).
Identifiers: ClinVar variation 281311 (VCV000281311.58), dbSNP rs147194375, ClinGen allele CA10072064.
Genomic context (GRCh38, chr21:46,122,880, plus strand): 5'-GTCCCTGGTAGAGACAGCTCCTCTGTCCCAGGCTAACATGTGTTCCCTGTCACAGGGAGG[C>T]CGAGGCGACTTTGGCTTGAAAGGAGAACCTGGGAGGAAAGGAGAGAAAGGAGAGCCTGTG-3'
Protein context (NP_001840.3, residues 528-548): GEPGPRGPEG[Gly538=]RGDFGLKGEP